The following is an entry in ClinVar:

ClinVar aggregate classification (germline): Uncertain significance. Review status: criteria provided, multiple submitters, no conflicts (2 of 4 stars). 3 submissions from 3 submitters: Uncertain significance (3). Last evaluated 2023-12-31.

Conditions:
Episodic pain syndrome, familial, 2 (FEPS2). Identifiers: Orphanet 306577, MedGen C3809893, MONDO:0014246, OMIM 615551.
Cardiovascular phenotype. Identifiers: MedGen CN230736.
Brugada syndrome. Also called: Sudden unexpected nocturnal death syndrome; Sudden unexplained nocturnal death syndrome; Sudden Unexplained Death Syndrome; Sudden Unexplained Nocturnal Death Syndrome (SUNDS). Identifiers: Orphanet 130, MedGen C1142166, MONDO:0015263.

Allele frequency attached by ClinVar (database versions not stated): gnomAD exomes below 0.00001; TOPMed below 0.00001; gnomAD 0.00001.
gnomAD v4.1: 6 of 1,613,858 alleles (0.00037%); highest among the groups gnomAD compares: Admixed American, 0.0017%; no homozygotes.

Submissions (4):

Ambry Genetics
Classification: Uncertain significance for Cardiovascular phenotype. Last evaluated: 2023-12-31. Review status: criteria provided, single submitter. Criteria: Ambry Variant Classification Scheme 2023. Collection method: clinical testing. Allele origin: germline.
Comment: The p.R1256Q variant (also known as c.3767G>A), located in coding exon 21 of the SCN10A gene, results from a G to A substitution at nucleotide position 3767. The arginine at codon 1256 is replaced by glutamine, an amino acid with highly similar properties. This amino acid position is conserved. In addition, this alteration is predicted to be deleterious by in silico analysis. Since supporting evidence is limited at this time, the clinical significance of this alteration remains unclear.

Labcorp Genetics (formerly Invitae), Labcorp
Classification: Uncertain significance for Brugada syndrome. Last evaluated: 2022-01-26. Review status: criteria provided, single submitter. Criteria: Invitae Variant Classification Sherloc (09022015). Collection method: clinical testing. Allele origin: germline.
Comment: In summary, the available evidence is currently insufficient to determine the role of this variant in disease. Therefore, it has been classified as a Variant of Uncertain Significance. Algorithms developed to predict the effect of sequence changes on RNA splicing suggest that this variant may create or strengthen a splice site. Advanced modeling of protein sequence and biophysical properties (such as structural, functional, and spatial information, amino acid conservation, physicochemical variation, residue mobility, and thermodynamic stability) performed at Invitae indicates that this missense variant is expected to disrupt SCN10A protein function. ClinVar contains an entry for this variant (Variation ID: 1031647). This variant has not been reported in the literature in individuals affected with SCN10A-related conditions. This variant is present in population databases (no rsID available, gnomAD 0.003%). This sequence change replaces arginine, which is basic and polar, with glutamine, which is neutral and polar, at codon 1256 of the SCN10A protein (p.Arg1256Gln).

Baylor Genetics
Classification: Uncertain significance for Episodic pain syndrome, familial, 2. Last evaluated: 2018-11-30. Review status: criteria provided, single submitter. Criteria: ACMG Guidelines, 2015. Collection method: clinical testing. Allele origin: unknown. Affected: yes.
Comment: This variant was determined to be of uncertain significance according to ACMG Guidelines, 2015 [PMID:25741868].

Dr. Peter K. Rogan Lab, Western University
No classification provided (evidence only). Condition: Gastric cancer. Review status: no classification provided. Collection method: in vitro. Allele origin: not applicable. Functional consequence: retained intron. Not counted in ClinVar's aggregate classification.

NM_006514.4(SCN10A):c.3767G>A (p.Arg1256Gln)

Gene: SCN10A (sodium voltage-gated channel alpha subunit 10; minus strand). Cytogenetic location: 3p22.2.
Variant type: single nucleotide variant.
Coding change: c.3767G>A on transcript NM_006514.4 (MANE Select); coding-DNA position 3767, G replaced by A.
Protein change: p.Arg1256Gln; replaces arginine 1256 with glutamine.
Molecular consequence: missense variant.
Genome position (GRCh38, 1-based): chr3:38,713,995, C>T on the plus strand (G>A on the coding strand, the complement: SCN10A is on the minus strand). VCF-style: chr3-38713995-C-T. GRCh37 (hg19) VCF-style: chr3-38755486-C-T.
Other names: c.3764G>A, p.Arg1255Gln (NM_001293306.2); c.3473G>A, p.Arg1158Gln (NM_001293307.2); short protein forms R1158Q, R1256Q, R1255Q.
Identifiers: ClinVar variation 1031647 (VCV001031647.8), dbSNP rs1280130231, ClinGen allele CA352151563.